The following is an entry in ClinVar:

NM_001035.3(RYR2):c.2755G>A (p.Val919Met)

Gene: RYR2 (ryanodine receptor 2; plus strand). Cytogenetic location: 1q43.
Variant type: single nucleotide variant.
Coding change: c.2755G>A on transcript NM_001035.3 (MANE Select); coding-DNA position 2755, G replaced by A.
Protein change: p.Val919Met; replaces valine 919 with methionine.
Molecular consequence: missense variant.
Genome position (GRCh38, 1-based): chr1:237,511,724, G>A. VCF-style: chr1-237511724-G-A. GRCh37 (hg19) VCF-style: chr1-237675024-G-A.
Other names: p.V919M:GTG>ATG; short protein forms V919M.
Identifiers: ClinVar variation 178117 (VCV000178117.45), dbSNP rs201079716, ClinGen allele CA008944.

ClinVar aggregate classification (germline): Conflicting classifications of pathogenicity. Review status: criteria provided, conflicting classifications (1 of 4 stars). 11 submissions from 11 submitters: Uncertain significance (4); Likely benign (7). Last evaluated 2026-04-27.

Conditions:
RYR2-related disorder. Also called: RYR2-related condition.
Cardiovascular phenotype. Identifiers: MedGen CN230736.
Arrhythmogenic right ventricular dysplasia 2. Identifiers: MedGen C1832931.
Catecholaminergic polymorphic ventricular tachycardia 1. Also called: RYR2-Related Catecholaminergic Polymorphic Ventricular Tachycardia; VENTRICULAR TACHYCARDIA, CATECHOLAMINERGIC POLYMORPHIC, 1, WITH OR WITHOUT ATRIAL DYSFUNCTION AND/OR DILATED CARDIOMYOPATHY; VENTRICULAR TACHYCARDIA, STRESS-INDUCED POLYMORPHIC 1. Identifiers: Orphanet 3286, MedGen C1631597, MONDO:0011484, OMIM 604772.
Cardiomyopathy (CMYO). Also called: Cardiomyopathies. Identifiers: Orphanet 167848, MedGen C0878544, MONDO:0004994, HP:0001638. Inheritance: Various modes of inheritance.

Allele frequency attached by ClinVar (database versions not stated): gnomAD 0.00015 and 0.00016; TOPMed 0.00018; ExAC 0.00025; ESP Exome Variant Server 0.00025; gnomAD exomes 0.00027.
gnomAD v4.1: 175 of 1,574,062 alleles (0.011%); highest among the groups gnomAD compares: Admixed American, 0.04%; 1 homozygote.

Submissions (11):

PreventionGenetics, part of Exact Sciences
Classification: Likely benign for RYR2-related condition. Last evaluated: 2026-04-27. Review status: criteria provided, single submitter. Criteria: ACMG Guidelines, 2015. Collection method: clinical testing. Allele origin: germline.
Comment: This variant is classified as likely benign based on ACMG/AMP sequence variant interpretation guidelines (Richards et al. 2015 PMID: 25741868, with internal and published modifications).

CeGaT Center for Human Genetics Tuebingen
Classification: Likely benign. Last evaluated: 2026-04-01. Review status: criteria provided, single submitter. Criteria: CeGaT Center For Human Genetics Tuebingen Variant Classification Criteria Version 2. Collection method: clinical testing. Allele origin: germline. Affected: yes. Observed: 4 variant alleles.
Comment: RYR2: PP3, BS1

Labcorp Genetics (formerly Invitae), Labcorp
Classification: Likely benign for Catecholaminergic polymorphic ventricular tachycardia 1. Last evaluated: 2026-01-20. Review status: criteria provided, single submitter. Criteria: Invitae Variant Classification Sherloc (09022015). Collection method: clinical testing. Allele origin: germline.

Women's Health and Genetics/Laboratory Corporation of America, LabCorp
Classification: Likely benign. Last evaluated: 2026-01-05. Review status: criteria provided, single submitter. Criteria: LabCorp Variant Classification Summary - May 2015. Collection method: clinical testing. Allele origin: germline.
Comment: Variant summary: RYR2 c.2755G>A (p.Val919Met) results in a conservative amino acid change located in the Ryanodine receptor Ryr (IPR003032) of the encoded protein sequence. Algorithms developed to predict the effect of missense changes on protein structure and function are either unavailable or do not agree on the potential impact of this missense change. The variant allele was found at a frequency of 0.00027 in 199272 control chromosomes. The observed variant frequency exceeds the estimated maximal expected allele frequency for disease-causing variants in RYR2. c.2755G>A has been reported in the literature in an individual affected with dilated cardiomyopathy without strong evidence of causality (example: Ceyhan-Birsoy_2016). This report does not provide unequivocal conclusions about association of the variant with Cardiomyopathy. To our knowledge, no experimental evidence demonstrating an impact on protein function has been reported. The following publication has been ascertained in the context of this evaluation (PMID: 27066507). ClinVar contains an entry for this variant (Variation ID: 178117). Based on the evidence outlined above, the variant was classified as likely benign.

Mayo Clinic Laboratories, Mayo Clinic
Classification: Uncertain significance. Last evaluated: 2025-02-14. Review status: criteria provided, single submitter. Criteria: ACMG Guidelines, 2015. Collection method: clinical testing. Allele origin: germline. Observed: 1 variant allele.
Comment: BS1, BP5, PP3_moderate

Molecular Diagnostic Laboratory for Inherited Cardiovascular Disease, Montreal Heart Institute
Classification: Uncertain significance. Last evaluated: 2020-03-03. Review status: criteria provided, single submitter. Criteria: ACMG Guidelines, 2015. Collection method: clinical testing. Allele origin: germline. Affected: yes.

GeneDx
Classification: Likely benign. Last evaluated: 2020-01-31. Review status: criteria provided, single submitter. Criteria: GeneDx Variant Classification Process June 2021. Collection method: clinical testing. Allele origin: germline. Affected: yes.
Comment: This variant is associated with the following publications: (PMID: 27066507)

Color Diagnostics, LLC DBA Color Health
Classification: Likely benign for Cardiomyopathy. Last evaluated: 2018-11-14. Review status: criteria provided, single submitter. Criteria: ACMG Guidelines, 2015. Collection method: clinical testing. Allele origin: germline.

Ambry Genetics
Classification: Likely benign for Cardiovascular phenotype. Last evaluated: 2018-04-10. Review status: criteria provided, single submitter. Criteria: Ambry Variant Classification Scheme 2023. Collection method: clinical testing. Allele origin: germline.

Fulgent Genetics
Classification: Uncertain significance for Catecholaminergic polymorphic ventricular tachycardia 1. Last evaluated: 2017-05-23. Review status: criteria provided, single submitter. Criteria: ACMG Guidelines, 2015. Collection method: clinical testing. Allele origin: unknown.

Laboratory for Molecular Medicine, Mass General Brigham Personalized Medicine
Classification: Uncertain significance. Last evaluated: 2013-06-26. Review status: criteria provided, single submitter. Criteria: LMM Criteria. Collection method: clinical testing. Allele origin: germline. Observed: 1 variant allele.
Comment: The Val919Met variant in RYR2 has not been reported in individuals with cardiomy opathy, but has been identified in 3/8258 European American chromosomes by the N HLBI Exome Sequencing Project (dbSNP rs201079 716). Computational analyses (biochemical amino acid properties, conservation, A lignGVGD, PolyPhen2, and SIFT) do not provide strong support for or against an i mpact to the protein. Additional information is needed to fully assess the clin ical significance of this variant.

Literature cited by the submitters: PubMed 27066507 (cited by Women's Health and Genetics/Laboratory Corporation of America, LabCorp and Mayo Clinic Laboratories, Mayo Clinic).